The following is an entry in ClinVar:

ClinVar aggregate classification (germline): Pathogenic. Review status: criteria provided, multiple submitters, no conflicts (2 of 4 stars). 2 submissions from 2 submitters: Pathogenic (2). Last evaluated 2022-08-04.

Conditions:
ARMC5-related disorder. Also called: ARMC5-related condition.

Allele frequency attached by ClinVar (database versions not stated): gnomAD 0.00001; gnomAD exomes 0.00001; TOPMed 0.00001.
gnomAD v4.1: 14 of 1,614,082 alleles (0.00087%); highest among the groups gnomAD compares: South Asian, 0.0033%; no homozygotes.

Submissions (2):

Institute for Clinical Genetics, University Hospital TU Dresden, University Hospital TU Dresden
Classification: Pathogenic. Last evaluated: 2022-08-04. Review status: criteria provided, single submitter. Criteria: ACMG Guidelines, 2015. Collection method: clinical testing. Allele origin: germline.
Comment: PVS1, PP4, PM2_SUP

Blueprint Genetics
Classification: Pathogenic for ARMC5-related disorders. Last evaluated: 2019-08-21. Review status: criteria provided, single submitter. Criteria: ACMG Guidelines, 2015. Collection method: clinical testing. Allele origin: germline. Affected: yes. Observed: 1 variant allele.

NM_001105247.2(ARMC5):c.517C>T (p.Arg173Ter)

Gene: ARMC5 (armadillo repeat containing 5; plus strand). Cytogenetic location: 16p11.2.
Variant type: single nucleotide variant.
Coding change: c.517C>T on transcript NM_001105247.2 (MANE Select); coding-DNA position 517, C replaced by T.
Protein change: p.Arg173Ter; replaces arginine 173 with a stop codon.
Molecular consequence: nonsense.
Genome position (GRCh38, 1-based): chr16:31,461,963, C>T. VCF-style: chr16-31461963-C-T. GRCh37 (hg19) VCF-style: chr16-31473284-C-T.
Other names: c.802C>T, p.Arg268Ter (NM_001288767.2); c.613C>T, p.Arg205Ter (NM_001301820.1); c.517C>T, p.Arg173Ter (NM_024742.2); short protein forms R173*, R205*, R268*.
Identifiers: ClinVar variation 2575996 (VCV002575996.2), dbSNP rs2082307406, ClinGen allele CA395731152.